The following is an entry in ClinVar:

NM_022841.7(RFX7):c.2438T>C (p.Ile813Thr)

Gene: RFX7 (regulatory factor X7; minus strand). Cytogenetic location: 15q21.3.
Variant type: single nucleotide variant.
Coding change: c.2438T>C on transcript NM_022841.7 (MANE Select); coding-DNA position 2438, T replaced by C.
Protein change: p.Ile813Thr; replaces isoleucine 813 with threonine.
Molecular consequence: missense variant.
Genome position (GRCh38, 1-based): chr15:56,095,290, A>G on the plus strand (T>C on the coding strand, the complement: RFX7 is on the minus strand). VCF-style: chr15-56095290-A-G. GRCh37 (hg19) VCF-style: chr15-56387488-A-G.
Other names: c.2147T>C, p.Ile716Thr (NM_001368073.2, NM_001368074.1, NM_001370554.1); c.2438T>C, p.Ile813Thr (NM_001370561.1); short protein forms I716T, I813T.
Identifiers: ClinVar variation 4071720 (VCV004071720.1).

ClinVar aggregate classification (germline): Uncertain significance (1 of 4 stars; one submission).

Submission:

GeneDx
Classification: Uncertain significance. Last evaluated: 2025-01-21. Review status: criteria provided, single submitter. Criteria: GeneDx Variant Classification Process June 2021. Collection method: clinical testing. Allele origin: germline. Affected: yes.
Comment: Has not been previously published as pathogenic or benign to our knowledge; Not observed at significant frequency in large population cohorts (gnomAD); In silico analysis indicates that this missense variant does not alter protein structure/function